The following is an entry in ClinVar:

NM_002386.4(MC1R):c.284C>T (p.Thr95Met)

Gene: MC1R (melanocortin 1 receptor; plus strand). Cytogenetic location: 16q24.3.
Variant type: single nucleotide variant.
Coding change: c.284C>T on transcript NM_002386.4 (MANE Select); coding-DNA position 284, C replaced by T.
Protein change: p.Thr95Met; replaces threonine 95 with methionine.
Molecular consequence: missense variant.
Genome position (GRCh38, 1-based): chr16:89,919,542, C>T. VCF-style: chr16-89919542-C-T. GRCh37 (hg19) VCF-style: chr16-89985950-C-T.
Other names: short protein forms T95M.
Identifiers: ClinVar variation 697005 (VCV000697005.28), dbSNP rs34158934, ClinGen allele CA8255546.
Genomic context (GRCh38, chr16:89,919,542, plus strand): 5'-GCTTCATCTGCTGCCTGGCCTTGTCGGACCTGCTGGTGAGCGGGAGCAACGTGCTGGAGA[C>T]GGCCGTCATCCTCCTGCTGGAGGCCGGTGCACTGGTGGCCCGGGCTGCGGTGCTGCAGCA-3'
Protein context (NP_002377.4, residues 85-105): LLVSGSNVLE[Thr95Met]AVILLLEAGA

ClinVar aggregate classification (germline): Benign/Likely benign. Review status: criteria provided, multiple submitters, no conflicts (2 of 4 stars). 5 submissions from 5 submitters: Benign (1); Likely benign (1). 3 of the submissions do not count toward it. Last evaluated 2025-10-09.

Conditions:
Melanoma, cutaneous malignant, susceptibility to, 5. Also called: Cutaneous malignant melanoma 5. Identifiers: Orphanet 618, MedGen C2751295, MONDO:0013133, OMIM 613099.

Allele frequency attached by ClinVar (database versions not stated): gnomAD exomes 0.00048; ExAC 0.00051; gnomAD 0.00056; TOPMed 0.00056; ESP Exome Variant Server 0.00062; 1000 Genomes Project 30x 0.00078; 1000 Genomes Project 0.00080.

Submissions (5):

Labcorp Genetics (formerly Invitae), Labcorp
Classification: Likely benign for Melanoma, cutaneous malignant, susceptibility to, 5. Last evaluated: 2025-10-09. Review status: criteria provided, single submitter. Criteria: Invitae Variant Classification Sherloc (09022015). Collection method: clinical testing. Allele origin: germline.

Illumina Laboratory Services, Illumina
Classification: Benign for Melanoma, cutaneous malignant, susceptibility to, 5. Last evaluated: 2017-10-09. Review status: criteria provided, single submitter. Criteria: ICSL Variant Classification Criteria 13 December 2019. Collection method: clinical testing. Allele origin: germline.
Comment: This variant was observed as part of a predisposition screen in an ostensibly healthy population. A literature search was performed for the gene, cDNA change, and amino acid change (where applicable). Publications were found based on this search. The evidence from the literature, in combination with allele frequency data from public databases where available, was sufficient to rule this variant out of causing disease. Therefore, this variant is classified as benign.

Clinical Genetics DNA and cytogenetics Diagnostics Lab, Erasmus MC, Erasmus Medical Center
Classification: Likely benign. Review status: no assertion criteria provided. Collection method: clinical testing. Allele origin: germline. Affected: yes. Study: VKGL Data-share Consensus. Not counted in ClinVar's aggregate classification.

Clinical Genetics, Academic Medical Center
Classification: Benign. Review status: no assertion criteria provided. Collection method: clinical testing. Allele origin: germline. Affected: yes. Study: VKGL Data-share Consensus. Not counted in ClinVar's aggregate classification.

Laboratory of Diagnostic Genome Analysis, Leiden University Medical Center (LUMC)
Classification: Likely benign. Review status: no assertion criteria provided. Collection method: clinical testing. Allele origin: germline. Affected: yes. Study: VKGL Data-share Consensus. Not counted in ClinVar's aggregate classification.

Literature cited by the submitters: PubMed 23647022 (cited by Illumina Laboratory Services, Illumina); PubMed 16809487 (cited by Illumina Laboratory Services, Illumina); PubMed 23522749 (cited by Illumina Laboratory Services, Illumina); PubMed 19656326 (cited by Illumina Laboratory Services, Illumina); PubMed 24335900 (cited by Illumina Laboratory Services, Illumina).